The following is an entry in ClinVar:

ClinVar aggregate classification (germline): Uncertain significance (1 of 4 stars; one submission).

Conditions:
Multiple endocrine neoplasia, type 1 (MEN1). Also called: MEA I; MEN I; WERMER SYNDROME; Endocrine adenomatosis multiple; MEN 1. Identifiers: Orphanet 652, MedGen C0025267, MeSH D018761, MONDO:0007540, OMIM 131100.

Submission:

Labcorp Genetics (formerly Invitae), Labcorp
Classification: Uncertain significance for Multiple endocrine neoplasia, type 1. Last evaluated: 2025-03-23. Review status: criteria provided, single submitter. Criteria: Invitae Variant Classification Sherloc (09022015). Collection method: clinical testing. Allele origin: germline.
Comment: This sequence change replaces threonine, which is neutral and polar, with isoleucine, which is neutral and non-polar, at codon 193 of the MEN1 protein (p.Thr193Ile). This variant is not present in population databases (gnomAD no frequency). This missense change has been observed in individual(s) with MEN1-related conditions (PMID: 17235589, 19350320). ClinVar contains an entry for this variant (Variation ID: 1037242). Invitae Evidence Modeling of protein sequence and biophysical properties (such as structural, functional, and spatial information, amino acid conservation, physicochemical variation, residue mobility, and thermodynamic stability) indicates that this missense variant is expected to disrupt MEN1 protein function with a positive predictive value of 95%. In summary, the available evidence is currently insufficient to determine the role of this variant in disease. Therefore, it has been classified as a Variant of Uncertain Significance.

Literature cited by the submitters: PubMed 17235589; PubMed 19350320.

NM_001370259.2(MEN1):c.578C>T (p.Thr193Ile)

Gene: MEN1 (menin 1; minus strand). Cytogenetic location: 11q13.1.
Variant type: single nucleotide variant.
Coding change: c.578C>T on transcript NM_001370259.2 (MANE Select); coding-DNA position 578, C replaced by T.
Protein change: p.Thr193Ile; replaces threonine 193 with isoleucine.
Molecular consequence: missense variant. On other transcripts: intron variant (2).
Genome position (GRCh38, 1-based): chr11:64,807,967, G>A on the plus strand (C>T on the coding strand, the complement: MEN1 is on the minus strand). VCF-style: chr11-64807967-G-A. GRCh37 (hg19) VCF-style: chr11-64575439-G-A.
Other names: c.593C>T, p.Thr198Ile (NM_000244.4, NM_130800.3, NM_130801.3 and 3 more transcripts); c.578C>T, p.Thr193Ile (NM_001370251.2, NM_001370260.2, NM_001370261.2 and 1 more transcripts); c.549+29C>T (NM_001370263.2, NM_001370262.2); short protein forms T193I, T198I.
Identifiers: ClinVar variation 1037242 (VCV001037242.8), dbSNP rs1592650971, ClinGen allele CA381185632.